The following is an entry in ClinVar:

NM_000026.4(ADSL):c.805A>G (p.Ile269Val)

Gene: ADSL (adenylosuccinate lyase; plus strand). Cytogenetic location: 22q13.1.
Variant type: single nucleotide variant.
Coding change: c.805A>G on transcript NM_000026.4 (MANE Select); coding-DNA position 805, A replaced by G.
Protein change: p.Ile269Val; replaces isoleucine 269 with valine.
Molecular consequence: missense variant. On other transcripts: non-coding transcript variant (1).
Genome position (GRCh38, 1-based): chr22:40,361,285, A>G. VCF-style: chr22-40361285-A-G. GRCh37 (hg19) VCF-style: chr22-40757289-A-G.
Other names: c.805A>G, p.Ile269Val (NM_001123378.3, NM_001363840.3); c.613A>G, p.Ile205Val (NM_001317923.2); short protein forms I269V, I205V.
Identifiers: ClinVar variation 432577 (VCV000432577.9), dbSNP rs759104126, ClinGen allele CA10247836.

ClinVar aggregate classification (germline): Uncertain significance. Review status: criteria provided, multiple submitters, no conflicts (2 of 4 stars). 2 submissions from 2 submitters: Uncertain significance (2). Last evaluated 2018-06-24.

Conditions:
Adenylosuccinate lyase deficiency (ADSLD). Also called: ADSL DEFICIENCY. Identifiers: Orphanet 46, MedGen C0268126, MONDO:0007068, OMIM 103050.

Allele frequency attached by ClinVar (database versions not stated): gnomAD exomes below 0.00001; ExAC 0.00001; gnomAD 0.00001.
gnomAD v4.1: 4 of 1,614,046 alleles (0.00025%); highest among the groups gnomAD compares: Non-Finnish European, 0.00034%; no homozygotes.

Submissions (2):

Labcorp Genetics (formerly Invitae), Labcorp
Classification: Uncertain significance for Adenylosuccinate lyase deficiency. Last evaluated: 2018-06-24. Review status: criteria provided, single submitter. Criteria: Invitae Variant Classification Sherloc (09022015). Collection method: clinical testing. Allele origin: germline.
Comment: In summary, the available evidence is currently insufficient to determine the role of this variant in disease. Therefore, it has been classified as a Variant of Uncertain Significance. Algorithms developed to predict the effect of sequence changes on RNA splicing suggest that this variant may create or strengthen a splice site, but this prediction has not been confirmed by published transcriptional studies. Algorithms developed to predict the effect of missense changes on protein structure and function (SIFT, PolyPhen-2, Align-GVGD) all suggest that this variant is likely to be tolerated, but these predictions have not been confirmed by published functional studies and their clinical significance is uncertain. This variant has not been reported in the literature in individuals with ADSL-related disease. ClinVar contains an entry for this variant (Variation ID: 432577). This variant is present in population databases (rs759104126, ExAC 0.001%). This sequence change replaces isoleucine with valine at codon 269 of the ADSL protein (p.Ile269Val). The isoleucine residue is highly conserved and there is a small physicochemical difference between isoleucine and valine.

GeneDx
Classification: Uncertain significance. Last evaluated: 2017-06-13. Review status: criteria provided, single submitter. Criteria: GeneDx Variant Classification (06012015). Collection method: clinical testing. Allele origin: germline. Affected: yes.
Comment: A variant of uncertain significance has been identified in the ADSL gene. The I269V variant has not been published as a pathogenic variant, nor has it been reported as a benign variant to our knowledge. The I269V variant is not observed at a significant frequency in large population cohorts (Lek et al., 2016; 1000 Genomes Consortium et al., 2015; Exome Variant Server). This substitution occurs at a position that is conserved across species. Missense variants in nearby residues (D268H/N) have been reported in Human Gene Mutation Database in association with ADSL deficiency (Stenson et al., 2014), supporting the functional importance of this region of the protein. However, the I269V variant is a conservative amino acid substitution, which is not likely to impact secondary protein structure as these residues share similar properties. In silico analysis is inconsistent in its predictions as to whether or not the variant is damaging to the protein structure/function. Therefore, based on the currently available information, it is unclear whether this variant is a pathogenic variant or a rare benign variant.